The following is an entry in ClinVar:

ClinVar aggregate classification (germline): Uncertain significance (1 of 4 stars; one submission).

Submission:

Labcorp Genetics (formerly Invitae), Labcorp
Classification: Uncertain significance. Last evaluated: 2025-02-02. Review status: criteria provided, single submitter. Criteria: Invitae Variant Classification Sherloc (09022015). Collection method: clinical testing. Allele origin: germline.
Comment: This sequence change replaces methionine, which is neutral and non-polar, with isoleucine, which is neutral and non-polar, at codon 135 of the SCN3A protein (p.Met135Ile). This variant is not present in population databases (gnomAD no frequency). This variant has not been reported in the literature in individuals affected with SCN3A-related conditions. Invitae Evidence Modeling of protein sequence and biophysical properties (such as structural, functional, and spatial information, amino acid conservation, physicochemical variation, residue mobility, and thermodynamic stability) indicates that this missense variant is not expected to disrupt SCN3A protein function with a negative predictive value of 80%. Algorithms developed to predict the effect of sequence changes on RNA splicing suggest that this variant may create or strengthen a splice site. In summary, the available evidence is currently insufficient to determine the role of this variant in disease. Therefore, it has been classified as a Variant of Uncertain Significance.

NM_006922.4(SCN3A):c.405G>C (p.Met135Ile)

Gene: SCN3A (sodium voltage-gated channel alpha subunit 3; minus strand). Cytogenetic location: 2q24.3.
Variant type: single nucleotide variant.
Coding change: c.405G>C on transcript NM_006922.4 (MANE Select); coding-DNA position 405, G replaced by C.
Protein change: p.Met135Ile; replaces methionine 135 with isoleucine.
Molecular consequence: missense variant.
Genome position (GRCh38, 1-based): chr2:165,168,804, C>G on the plus strand (G>C on the coding strand, the complement: SCN3A is on the minus strand). VCF-style: chr2-165168804-C-G. GRCh37 (hg19) VCF-style: chr2-166025314-C-G.
Other names: c.405G>C, p.Met135Ile (NM_001081676.2, NM_001081677.2); short protein forms M135I.
Identifiers: ClinVar variation 3718289 (VCV003718289.2).